The following is an entry in ClinVar:

ClinVar aggregate classification (germline): Benign (1 of 4 stars; one submission).

Conditions:
Polycystic liver disease 2 (PCLD2). Also called: Polycystic liver disease 2 with or without kidney cysts. Identifiers: Orphanet 2924, MedGen C4310769, MONDO:0014860, OMIM 617004.

Allele frequency attached by ClinVar (database versions not stated): 1000 Genomes Project 30x 0.00172; 1000 Genomes Project 0.00140; TOPMed 0.00286.

Submission:

Illumina Laboratory Services, Illumina
Classification: Benign for Polycystic liver disease 2. Last evaluated: 2018-01-13. Review status: criteria provided, single submitter. Criteria: ICSL Variant Classification Criteria 13 December 2019. Collection method: clinical testing. Allele origin: germline.
Comment: This variant was observed in the ICSL laboratory as part of a predisposition screen in an ostensibly healthy population. It had not been previously curated by ICSL or reported in the Human Gene Mutation Database (HGMD: prior to June 1st, 2018), and was therefore a candidate for classification through an automated scoring system. Utilizing variant allele frequency, disease prevalence and penetrance estimates, and inheritance mode, an automated score was calculated to assess if this variant is too frequent to cause the disease. Based on the score and internal cut-off values, a variant classified as benign is not then subjected to further curation. The score for this variant resulted in a classification of benign for this disease.

NM_007214.5(SEC63):c.*3499A>C

Gene: SEC63 (SEC63 homolog, protein translocation regulator; minus strand). Cytogenetic location: 6q21.
Variant type: single nucleotide variant.
Coding change: c.*3499A>C on transcript NM_007214.5 (MANE Select); 3499 bases downstream of the stop codon, A replaced by C.
Molecular consequence: 3 prime UTR variant.
Genome position (GRCh38, 1-based): chr6:107,868,205, T>G on the plus strand (A>C on the coding strand, the complement: SEC63 is on the minus strand). VCF-style: chr6-107868205-T-G. GRCh37 (hg19) VCF-style: chr6-108189409-T-G.
Identifiers: ClinVar variation 354817 (VCV000354817.5), dbSNP rs143966094, ClinGen allele CA10622585.